The following is an entry in ClinVar:

ClinVar aggregate classification (germline): Pathogenic (1 of 4 stars; one submission).

Conditions:
Bloom syndrome (BLM). Also called: Bloom-Torre-Machacek syndrome. Identifiers: Orphanet 125, MedGen C0005859, MONDO:0008876, OMIM 210900.

Submission:

Labcorp Genetics (formerly Invitae), Labcorp
Classification: Pathogenic for Bloom syndrome. Last evaluated: 2023-04-05. Review status: criteria provided, single submitter. Criteria: Invitae Variant Classification Sherloc (09022015). Collection method: clinical testing. Allele origin: germline.
Comment: This sequence change creates a premature translational stop signal (p.Leu208Cysfs*11) in the BLM gene. It is expected to result in an absent or disrupted protein product. Loss-of-function variants in BLM are known to be pathogenic (PMID: 17407155). This variant is not present in population databases (gnomAD no frequency). This variant has not been reported in the literature in individuals affected with BLM-related conditions. ClinVar contains an entry for this variant (Variation ID: 1401720). For these reasons, this variant has been classified as Pathogenic.

Literature cited by the submitters: PubMed 17407155.

NM_000057.4(BLM):c.623del (p.Leu208fs)

Gene: BLM (BLM RecQ like helicase; plus strand). Cytogenetic location: 15q26.1.
Variant type: Deletion.
Coding change: c.623del on transcript NM_000057.4 (MANE Select); coding-DNA position 623, one base deleted (T; older notation c.623delT).
Protein change: p.Leu208fs; shifts the reading frame from leucine 208.
Molecular consequence: frameshift variant. On other transcripts: 5 prime UTR variant (1).
Genome position (GRCh38, 1-based): chr15:90,749,891, T deleted; the last of 3 consecutive T bases (chr15:90,749,889-90,749,891); deleting any one gives the same sequence. VCF-style (leftmost placement, unchanged base first): chr15-90749888-AT-A. GRCh37 (hg19) VCF-style: chr15-91293118-AT-A.
Other names: c.623del, p.Leu208fs (NM_001287246.2, NM_001287247.2); c.-669del (NM_001287248.2); short protein forms L208fs.
Identifiers: ClinVar variation 1401720 (VCV001401720.6), dbSNP rs2151147765, ClinGen allele CA2573151435.